The following is an entry in ClinVar:

NM_001267550.2(TTN):c.37491A>G (p.Glu12497=)

Gene: TTN (titin; minus strand). Cytogenetic location: 2q31.2.
Variant type: single nucleotide variant.
Coding change: c.37491A>G on transcript NM_001267550.2 (MANE Select); coding-DNA position 37491, A replaced by G.
Protein change: p.Glu12497=; no amino-acid change (glutamic acid 12497 retained).
Molecular consequence: synonymous variant. On other transcripts: intron variant (5).
Genome position (GRCh38, 1-based): chr2:178,658,757, T>C on the plus strand (A>G on the coding strand, the complement: TTN is on the minus strand). VCF-style: chr2-178658757-T-C. GRCh37 (hg19) VCF-style: chr2-179523484-T-C.
Other names: c.13283-16440A>G (NM_003319.4); c.13859-16440A>G (NM_133437.4); c.13658-16440A>G (NM_133432.3); c.31741+248A>G (NM_133378.4); c.34522+248A>G (NM_001256850.1).
Identifiers: ClinVar variation 4084535 (VCV004084535.8).

ClinVar aggregate classification (germline): Likely benign (1 of 4 stars; one submission).

Submission:

CeGaT Center for Human Genetics Tuebingen
Classification: Likely benign. Last evaluated: 2025-06-01. Review status: criteria provided, single submitter. Criteria: CeGaT Center For Human Genetics Tuebingen Variant Classification Criteria Version 2. Collection method: clinical testing. Allele origin: germline. Affected: yes. Observed: 1 variant allele.
Comment: TTN: PM2:Supporting, BP4, BP7